The following is an entry in ClinVar:

NM_020708.5(SLC12A5):c.986C>A (p.Ala329Asp)

Gene: SLC12A5 (solute carrier family 12 member 5; plus strand). Cytogenetic location: 20q13.12.
Variant type: single nucleotide variant.
Coding change: c.986C>A on transcript NM_020708.5 (MANE Select); coding-DNA position 986, C replaced by A.
Protein change: p.Ala329Asp; replaces alanine 329 with aspartic acid.
Molecular consequence: missense variant.
Genome position (GRCh38, 1-based): chr20:46,041,460, C>A. VCF-style: chr20-46041460-C-A. GRCh37 (hg19) VCF-style: chr20-44670099-C-A.
Other names: c.1055C>A, p.Ala352Asp (NM_001134771.2); short protein forms A329D, A352D.
Identifiers: ClinVar variation 3347721 (VCV003347721.1).

ClinVar aggregate classification (germline): Uncertain significance (0 of 4 stars; one submission).

Conditions:
SLC12A5-related disorder. Also called: SLC12A5-related condition.

gnomAD v4.1: 2 of 1,614,140 alleles (0.00012%); highest among the groups gnomAD compares: Non-Finnish European, 0.00017%; no homozygotes.

Submission:

PreventionGenetics, part of Exact Sciences
Classification: Uncertain significance for SLC12A5-related condition. Last evaluated: 2024-08-06. Review status: no assertion criteria provided. Collection method: clinical testing. Allele origin: germline.
Comment: The SLC12A5 c.986C>A variant is predicted to result in the amino acid substitution p.Ala329Asp. To our knowledge, this variant has not been reported in the literature or in a large population database, indicating this variant is rare. A change in the neighboring amino acid (c.983A>G p.Asn328Ser) has been reported in the homozygous state in a patient with epilepsy of infancy (Supplementary Table 2; Burgess et al. 2019. PubMed ID: 31618474). Although we suspect that this variant may be pathogenic, at this time, the clinical significance of this variant is uncertain due to the absence of conclusive functional and genetic evidence.